The following is an entry in ClinVar:

NM_001009944.3(PKD1):c.10817T>C (p.Leu3606Pro)

Genes: PKD1 (polycystin 1, transient receptor potential channel interacting; minus strand), PKD1-AS1 (PKD1 antisense RNA 1; plus strand). Cytogenetic location: 16p13.3.
Variant type: single nucleotide variant.
Coding change: c.10817T>C on transcript NM_001009944.3 (MANE Select); coding-DNA position 10817, T replaced by C.
Protein change: p.Leu3606Pro; replaces leucine 3606 with proline.
Molecular consequence: missense variant.
Genome position (GRCh38, 1-based): chr16:2,093,815, A>G on the plus strand (T>C on the coding strand, the complement: PKD1 is on the minus strand). VCF-style: chr16-2093815-A-G. GRCh37 (hg19) VCF-style: chr16-2143816-A-G.
Other names: c.10814T>C, p.Leu3605Pro (NM_000296.4); short protein forms L3605P, L3606P.
Identifiers: ClinVar variation 3382083 (VCV003382083.2).

ClinVar aggregate classification (germline): Uncertain significance (1 of 4 stars; one submission).

Conditions:
Polycystic kidney disease, adult type (PKD1). Also called: POLYCYSTIC KIDNEY DISEASE, ADULT, TYPE I; Polycystic Kidney Disease 1, Autosomal Dominant; Polycystic kidney disease 1; Polycystic kidney disease 1, severe; Polycystic Kidney, Autosomal Dominant; POLYCYSTIC KIDNEY DISEASE 1 WITH OR WITHOUT POLYCYSTIC LIVER DISEASE. Identifiers: MedGen C3149841, MONDO:0008263, OMIM 173900.

Submission:

Juno Genomics, Hangzhou Juno Genomics, Inc
Classification: Uncertain significance for Polycystic kidney disease, adult type. Review status: criteria provided, single submitter. Criteria: ACMG Guidelines, 2015. Collection method: clinical testing. Allele origin: germline. Affected: yes.
Comment: Absent from controls (or at extremely low frequency if recessive) in Genome Aggregation Database, Exome Sequencing Project, 1000 Genomes Project, or Exome Aggregation Consortium.;Patient's phenotype or family history is highly specific for a disease with a single genetic etiology.